The following is an entry in ClinVar:

ClinVar aggregate classification (germline): Likely benign (1 of 4 stars; one submission).

Allele frequency attached by ClinVar (database versions not stated): 1000 Genomes Project 30x 0.00062; 1000 Genomes Project 0.00080; TOPMed 0.00170; gnomAD 0.00183; ExAC 0.00240; ESP Exome Variant Server 0.00246.
gnomAD v4.1: 4,490 of 1,614,104 alleles (0.28%); highest among the groups gnomAD compares: Non-Finnish European, 0.33%; 14 homozygotes.

Submission:

CeGaT Center for Human Genetics Tuebingen
Classification: Likely benign. Last evaluated: 2022-11-01. Review status: criteria provided, single submitter. Criteria: CeGaT Center For Human Genetics Tuebingen Variant Classification Criteria Version 2. Collection method: clinical testing. Allele origin: germline. Affected: yes. Observed: 1 variant allele.
Comment: CNPY2: BP4, BP7, BS2; CNPY2-AS1: BS2

NM_014255.7(CNPY2):c.375C>T (p.Ile125=)

Gene: CNPY2 (canopy FGF signaling regulator 2; minus strand). Cytogenetic location: 12q13.3.
Variant type: single nucleotide variant.
Coding change: c.375C>T on transcript NM_014255.7 (MANE Select); coding-DNA position 375, C replaced by T.
Protein change: p.Ile125=; no amino-acid change (isoleucine 125 retained).
Molecular consequence: synonymous variant.
Genome position (GRCh38, 1-based): chr12:56,311,244, G>A on the plus strand (C>T on the coding strand, the complement: CNPY2 is on the minus strand). VCF-style: chr12-56311244-G-A. GRCh37 (hg19) VCF-style: chr12-56705028-G-A.
Identifiers: ClinVar variation 2643090 (VCV002643090.23), dbSNP rs76871886, ClinGen allele CA6629048.